The following is an entry in ClinVar:

NM_001190274.2(FBXO11):c.1798-3T>C

Gene: FBXO11 (F-box protein 11; minus strand). Cytogenetic location: 2p16.3.
Variant type: single nucleotide variant.
Coding change: c.1798-3T>C on transcript NM_001190274.2 (MANE Select); 3 bases into the intron before coding-DNA position 1798, T replaced by C.
Molecular consequence: intron variant.
Genome position (GRCh38, 1-based): chr2:47,819,081, A>G on the plus strand (T>C on the coding strand, the complement: FBXO11 is on the minus strand). VCF-style: chr2-47819081-A-G. GRCh37 (hg19) VCF-style: chr2-48046220-A-G.
Other names: c.1546-3T>C (NM_001374325.1, NM_025133.4).
Identifiers: ClinVar variation 4885340 (VCV004885340.2).

ClinVar aggregate classification (germline): Uncertain significance (1 of 4 stars; one submission).

gnomAD v4.1: 3 of 1,612,106 alleles (0.00019%); highest among the groups gnomAD compares: Non-Finnish European, 0.00025%; no homozygotes.

Submission:

Dasa
Classification: Uncertain significance. Last evaluated: 2025-12-31. Review status: criteria provided, single submitter. Criteria: DASA Assertion Criteria. Collection method: clinical testing. Allele origin: germline.
Comment: NM_001190274.2(FBXO11):c.1798-3T>C is a splice-region variant. This variant is rare in population databases. Computational prediction algorithms are consistent with a benign effect. The currently available literature and clinical evidence are not sufficient to establish a definitive association between this variant and the reported condition. Therefore, this variant is classified as a variant of uncertain significance.